The following is an entry in ClinVar:

ClinVar aggregate classification (germline): Uncertain significance. Review status: criteria provided, multiple submitters, no conflicts (2 of 4 stars). 2 submissions from 2 submitters: Uncertain significance (2). Last evaluated 2025-05-13.

Allele frequency attached by ClinVar (database versions not stated): gnomAD 0.00002; TOPMed 0.00001; ExAC 0.00004.
gnomAD v4.1: 15 of 1,605,930 alleles (0.00093%); highest among the groups gnomAD compares: South Asian, 0.0034%; no homozygotes.

Submissions (2):

Labcorp Genetics (formerly Invitae), Labcorp
Classification: Uncertain significance. Last evaluated: 2025-05-13. Review status: criteria provided, single submitter. Criteria: Invitae Variant Classification Sherloc (09022015). Collection method: clinical testing. Allele origin: germline.
Comment: This sequence change replaces valine, which is neutral and non-polar, with methionine, which is neutral and non-polar, at codon 185 of the ABCC8 protein (p.Val185Met). The frequency data for this variant in the population databases is considered unreliable, as metrics indicate poor data quality at this position in the gnomAD database. This variant has not been reported in the literature in individuals affected with ABCC8-related conditions. ClinVar contains an entry for this variant (Variation ID: 2690805). Invitae Evidence Modeling of protein sequence and biophysical properties (such as structural, functional, and spatial information, amino acid conservation, physicochemical variation, residue mobility, and thermodynamic stability) has been performed for this missense variant. However, the output from this modeling did not meet the statistical confidence thresholds required to predict the impact of this variant on ABCC8 protein function. In summary, the available evidence is currently insufficient to determine the role of this variant in disease. Therefore, it has been classified as a Variant of Uncertain Significance.

Revvity Omics, Revvity
Classification: Uncertain significance. Last evaluated: 2023-07-19. Review status: criteria provided, single submitter. Criteria: ACMG Guidelines, 2015. Collection method: clinical testing. Allele origin: germline.

NM_000352.6(ABCC8):c.553G>A (p.Val185Met)

Gene: ABCC8 (ATP binding cassette subfamily C member 8; minus strand). Cytogenetic location: 11p15.1.
Variant type: single nucleotide variant.
Coding change: c.553G>A on transcript NM_000352.6 (MANE Select); coding-DNA position 553, G replaced by A.
Protein change: p.Val185Met; replaces valine 185 with methionine.
Molecular consequence: missense variant. On other transcripts: non-coding transcript variant (1).
Genome position (GRCh38, 1-based): chr11:17,463,464, C>T on the plus strand (G>A on the coding strand, the complement: ABCC8 is on the minus strand). VCF-style: chr11-17463464-C-T. GRCh37 (hg19) VCF-style: chr11-17485011-C-T.
Other names: c.553G>A, p.Val185Met (NM_001287174.3, NM_001351295.2, NM_001351296.2 and 1 more transcripts); short protein forms V185M.
Identifiers: ClinVar variation 2690805 (VCV002690805.4), dbSNP rs747129513, ClinGen allele CA5903844.